The following is an entry in ClinVar:

ClinVar aggregate classification (germline): Uncertain significance (1 of 4 stars; one submission).

gnomAD v4.1: 1 of 1,614,112 alleles (0.000062%); highest among the groups gnomAD compares: Non-Finnish European, 0.000085%; no homozygotes.

Submission:

Ambry Genetics
Classification: Uncertain significance. Last evaluated: 2025-11-10. Review status: criteria provided, single submitter. Criteria: Ambry Variant Classification Scheme 2023. Collection method: clinical testing. Allele origin: germline.
Comment: The p.P596A variant (also known as c.1786C>G), located in coding exon 9 of the ATRIP gene, results from a C to G substitution at nucleotide position 1786. The proline at codon 596 is replaced by alanine, an amino acid with highly similar properties. This amino acid position is conserved. In addition, this alteration is predicted to be tolerated by in silico analysis. Based on the available evidence, the clinical significance of this variant remains unclear.

NM_130384.3(ATRIP):c.1786C>G (p.Pro596Ala)

Genes: ATRIP (ATR interacting protein; plus strand), ATRIP-TREX1 (ATRIP-TREX1 readthrough; plus strand). Cytogenetic location: 3p21.31.
Variant type: single nucleotide variant.
Coding change: c.1786C>G on transcript NM_130384.3 (MANE Select); coding-DNA position 1786, C replaced by G.
Protein change: p.Pro596Ala; replaces proline 596 with alanine.
Molecular consequence: missense variant. On other transcripts: non-coding transcript variant (1).
Genome position (GRCh38, 1-based): chr3:48,463,785, C>G. VCF-style: chr3-48463785-C-G. GRCh37 (hg19) VCF-style: chr3-48505184-C-G.
Other names: c.1405C>G, p.Pro469Ala (NM_001271022.2); c.1507C>G, p.Pro503Ala (NM_001271023.2); c.1786C>G, p.Pro596Ala (NM_032166.4); short protein forms P503A, P469A, P596A.
Identifiers: ClinVar variation 4644584 (VCV004644584.1).
Genomic context (GRCh38, chr3:48,463,785, plus strand): 5'-TCTGGGTCCCTGTCTTTTAGGTTCCAGTGTGTGTTCCAAGTGCTGCCAAAGTGCCTCAGC[C>G]CAGAGACACCCCTGCCTAGCGTGCTGCTGGCTGTTGAGCTCCTCTCCCTGCTGGCGGACC-3'
Protein context (NP_569055.1, residues 586-606): VFQVLPKCLS[Pro596Ala]ETPLPSVLLA